The following is an entry in ClinVar:

NM_001250.6(CD40):c.750A>G (p.Pro250=)

Gene: CD40 (CD40 molecule; plus strand). Cytogenetic location: 20q13.12.
Variant type: single nucleotide variant.
Coding change: c.750A>G on transcript NM_001250.6 (MANE Select); coding-DNA position 750, A replaced by G.
Protein change: p.Pro250=; no amino-acid change (proline 250 retained).
Molecular consequence: synonymous variant. On other transcripts: 3 prime UTR variant (3), non-coding transcript variant (2).
Genome position (GRCh38, 1-based): chr20:46,128,956, A>G. VCF-style: chr20-46128956-A-G. GRCh37 (hg19) VCF-style: chr20-44757595-A-G.
Other names: c.*76A>G (NM_001302753.2, NM_001362758.2, NM_152854.4); c.762A>G, p.Pro254= (NM_001322421.2); c.594A>G, p.Pro198= (NM_001322422.2).
Identifiers: ClinVar variation 618003 (VCV000618003.17), dbSNP rs376780996, ClinGen allele CA9888664.
Genomic context (GRCh38, chr20:46,128,956, plus strand): 5'-GCAGGAACCCCAGGAGATCAATTTTCCCGACGATCTTCCTGGCTCCAACACTGCTGCTCC[A>G]GTGCAGGAGACTTTACATGGATGCCAACCGGTCACCCAGGAGGATGGCAAAGAGAGTCGC-3'
Protein context (NP_001241.1, residues 240-260): DDLPGSNTAA[Pro250=]VQETLHGCQP

ClinVar aggregate classification (germline): Conflicting classifications of pathogenicity. Review status: criteria provided, conflicting classifications (1 of 4 stars). 4 submissions from 4 submitters: Uncertain significance (1); Likely benign (3). Last evaluated 2025-12-16.

Conditions:
Hyper-IgM syndrome type 3. Also called: Hyper-IgM Immunodeficiency Syndrome, Type 3. Identifiers: Orphanet 101090, MedGen C1720957, MONDO:0011735, OMIM 606843.

Allele frequency attached by ClinVar (database versions not stated): TOPMed 0.00006; ExAC 0.00007; ESP Exome Variant Server 0.00008; gnomAD exomes 0.00011 and 0.00016; gnomAD 0.00013 and 0.00014.
gnomAD v4.1: 243 of 1,614,128 alleles (0.015%); highest among the groups gnomAD compares: Non-Finnish European, 0.018%; no homozygotes.

Submissions (4):

Labcorp Genetics (formerly Invitae), Labcorp
Classification: Likely benign. Last evaluated: 2025-12-16. Review status: criteria provided, single submitter. Criteria: Invitae Variant Classification Sherloc (09022015). Collection method: clinical testing. Allele origin: germline.

Blueprint Genetics
Classification: Likely benign. Last evaluated: 2024-10-14. Review status: criteria provided, single submitter. Criteria: ACMG Guidelines, 2015. Collection method: clinical testing. Allele origin: germline.

Illumina Laboratory Services, Illumina
Classification: Uncertain significance for Hyper-IgM syndrome type 3. Last evaluated: 2018-01-13. Review status: criteria provided, single submitter. Criteria: ICSL Variant Classification Criteria 13 December 2019. Collection method: clinical testing. Allele origin: germline.

ARUP Laboratories, Molecular Genetics and Genomics, ARUP Laboratories
Classification: Likely benign. Last evaluated: 2017-07-03. Review status: criteria provided, single submitter. Criteria: ARUP Molecular Germline Variant Investigation Process. Collection method: clinical testing. Allele origin: germline.
Comment: The c.750A>G variant (rs376780996) does not alter the amino acid sequence of the CD40 protein and computational splice site prediction algorithms do not predict a change in the nearest splice site or creation of a cryptic splice site. This variant has not been reported in association with primary antibody deficiency in medical literature or in gene specific variation databases. This variant is listed in the genome Aggregation Database (gnomAD) with an overall population frequency of 0.01 percent (identified on 30 out of 277,212 chromosomes). Based on these observations, the c.750A>G variant is likely to be benign.